The following is an entry in ClinVar:

NM_000520.6(HEXA):c.1331-2A>G

Gene: HEXA (hexosaminidase subunit alpha; minus strand). Cytogenetic location: 15q23.
Variant type: single nucleotide variant.
Coding change: c.1331-2A>G on transcript NM_000520.6 (MANE Select); the canonical splice acceptor site of the intron before coding-DNA position 1331, A replaced by G.
Molecular consequence: splice acceptor variant.
Genome position (GRCh38, 1-based): chr15:72,346,327, T>C on the plus strand (A>G on the coding strand, the complement: HEXA is on the minus strand). VCF-style: chr15-72346327-T-C. GRCh37 (hg19) VCF-style: chr15-72638668-T-C.
Other names: c.1364-2A>G (NM_001318825.2).
Identifiers: ClinVar variation 4818717 (VCV004818717.1).

ClinVar aggregate classification (germline): Likely pathogenic (1 of 4 stars; one submission).

Conditions:
Tay-Sachs disease (TSD). Also called: HEXA DEFICIENCY; HEXA Disorders; GM2 gangliosidosis, type 1; Hexosaminidase alpha-subunit deficiency (variant B); Sphingolipidosis, Tay-Sachs; Hexosaminidase A Deficiency. Identifiers: Orphanet 845, MedGen C0039373, MONDO:0010100, OMIM 272800.

Submission:

Natera, Inc.
Classification: Likely pathogenic for Tay-Sachs disease. Last evaluated: 2024-06-05. Review status: criteria provided, single submitter. Criteria: Natera Variant Classification Schema (03/2026). Collection method: clinical testing. Allele origin: germline.
Comment: The c.1331-2A>G variant in HEXA is a canonical splice acceptor site variant predicted to affect pre-mRNA splicing, which may result in an abnormal transcript and altered protein product. This variant is expected to result in nonsense mediated decay, truncation, or a dysfunctional protein product. This variant is rare in the general population with a frequency below the threshold expected for the associated phenotype(s). Given the available evidence, this variant is classified as Likely Pathogenic.